The following is an entry in ClinVar:

NM_198904.4(GABRG2):c.923-11C>G

Gene: GABRG2 (gamma-aminobutyric acid type A receptor subunit gamma2; plus strand). Cytogenetic location: 5q34.
Variant type: single nucleotide variant.
Coding change: c.923-11C>G on transcript NM_198904.4 (MANE Select); 11 bases into the intron before coding-DNA position 923, C replaced by G.
Molecular consequence: intron variant.
Genome position (GRCh38, 1-based): chr5:162,149,097, C>G. VCF-style: chr5-162149097-C-G. GRCh37 (hg19) VCF-style: chr5-161576103-C-G.
Other names: c.638-11C>G (NM_001375349.1); c.1043-11C>G (NM_001375343.1, NM_198903.2); c.962-11C>G (NM_001375344.1); c.923-2633C>G (NM_001375340.1); c.920-11C>G (NM_001375341.1, NM_001375342.1); c.503-11C>G (NM_001375350.1, NM_001375348.1); c.914-11C>G (NM_001375339.1); c.857-11C>G (NM_001375346.1, NM_001375345.1); and 2 more.
Identifiers: ClinVar variation 2943296 (VCV002943296.4), dbSNP rs2532755692, ClinGen allele CA2740094176.
Genomic context (GRCh38, chr5:162,149,097, plus strand): 5'-TCTCACGAGTGACTCAGTTACCCAACTTGCTTATGCAATCACATGACCTGTATTATTACA[C>G]CTCTCTTCAGGTATCACCACTGTCCTGACAATGACCACCCTCAGCACCATTGCCCGGAAA-3'

ClinVar aggregate classification (germline): Uncertain significance. Review status: criteria provided, multiple submitters, no conflicts (2 of 4 stars). 2 submissions from 2 submitters: Uncertain significance (2). Last evaluated 2024-09-17.

Conditions:
EPILEPSY, CHILDHOOD ABSENCE, SUSCEPTIBILITY TO, 2 (ECA2). Identifiers: Orphanet 64280, MedGen C1843244, OMIM 607681.
Febrile seizures, familial, 8 (FEB8). Also called: CONVULSIONS, FAMILIAL FEBRILE, 8. Identifiers: Orphanet 36387, MedGen C1969810, MONDO:0011891, OMIM 607681.

Submissions (2):

GeneDx
Classification: Uncertain significance. Last evaluated: 2024-09-17. Review status: criteria provided, single submitter. Criteria: GeneDx Variant Classification Process June 2021. Collection method: clinical testing. Allele origin: germline. Affected: yes.
Comment: Not observed at significant frequency in large population cohorts (gnomAD); In silico analysis supports a deleterious effect on splicing; Has not been previously published as pathogenic or benign to our knowledge

Labcorp Genetics (formerly Invitae), Labcorp
Classification: Uncertain significance for Febrile seizures, familial, 8; EPILEPSY, CHILDHOOD ABSENCE, SUSCEPTIBILITY TO, 2. Last evaluated: 2024-01-08. Review status: criteria provided, single submitter. Criteria: Invitae Variant Classification Sherloc (09022015). Collection method: clinical testing. Allele origin: germline.
Comment: This sequence change falls in intron 7 of the GABRG2 gene. It does not directly change the encoded amino acid sequence of the GABRG2 protein. This variant is not present in population databases (gnomAD no frequency). This variant has not been reported in the literature in individuals affected with GABRG2-related conditions. Algorithms developed to predict the effect of sequence changes on RNA splicing suggest that this variant may disrupt the consensus splice site. In summary, the available evidence is currently insufficient to determine the role of this variant in disease. Therefore, it has been classified as a Variant of Uncertain Significance.